The following is an entry in ClinVar:

NM_019032.6(ADAMTSL4):c.2650G>A (p.Gly884Arg)

Gene: ADAMTSL4 (ADAMTS like 4; plus strand). Cytogenetic location: 1q21.2.
Variant type: single nucleotide variant.
Coding change: c.2650G>A on transcript NM_019032.6 (MANE Select); coding-DNA position 2650, G replaced by A.
Protein change: p.Gly884Arg; replaces glycine 884 with arginine.
Molecular consequence: missense variant.
Genome position (GRCh38, 1-based): chr1:150,559,052, G>A. VCF-style: chr1-150559052-G-A. GRCh37 (hg19) VCF-style: chr1-150531528-G-A.
Other names: c.2533G>A, p.Gly845Arg (NM_001288607.2); c.2719G>A, p.Gly907Arg (NM_001288608.2); c.2650G>A, p.Gly884Arg (NM_001378596.1); short protein forms G884R, G907R, G845R.
Identifiers: ClinVar variation 2756350 (VCV002756350.3), dbSNP rs2526780192, ClinGen allele CA342315968.

ClinVar aggregate classification (germline): Uncertain significance (1 of 4 stars; one submission).

Submission:

Labcorp Genetics (formerly Invitae), Labcorp
Classification: Uncertain significance. Last evaluated: 2023-12-14. Review status: criteria provided, single submitter. Criteria: Invitae Variant Classification Sherloc (09022015). Collection method: clinical testing. Allele origin: germline.
Comment: This sequence change replaces glycine, which is neutral and non-polar, with arginine, which is basic and polar, at codon 884 of the ADAMTSL4 protein (p.Gly884Arg). This variant is not present in population databases (gnomAD no frequency). This variant has not been reported in the literature in individuals affected with ADAMTSL4-related conditions. Advanced modeling of protein sequence and biophysical properties (such as structural, functional, and spatial information, amino acid conservation, physicochemical variation, residue mobility, and thermodynamic stability) performed at Invitae indicates that this missense variant is not expected to disrupt ADAMTSL4 protein function with a negative predictive value of 80%. In summary, the available evidence is currently insufficient to determine the role of this variant in disease. Therefore, it has been classified as a Variant of Uncertain Significance.